The following is an entry in ClinVar:

ClinVar aggregate classification (germline): Uncertain significance (1 of 4 stars; one submission).

Conditions:
Familial hemiplegic migraine. Identifiers: MedGen C0338484, MONDO:0000700.

Allele frequency attached by ClinVar (database versions not stated): gnomAD exomes below 0.00001.
gnomAD v4.1: 2 of 1,612,434 alleles (0.00012%); highest among the groups gnomAD compares: Non-Finnish European, 0.00017%; no homozygotes.

Submission:

Labcorp Genetics (formerly Invitae), Labcorp
Classification: Uncertain significance for Familial hemiplegic migraine. Last evaluated: 2023-05-16. Review status: criteria provided, single submitter. Criteria: Invitae Variant Classification Sherloc (09022015). Collection method: clinical testing. Allele origin: germline.
Comment: Advanced modeling of protein sequence and biophysical properties (such as structural, functional, and spatial information, amino acid conservation, physicochemical variation, residue mobility, and thermodynamic stability) performed at Invitae indicates that this missense variant is not expected to disrupt ATP1A2 protein function. This variant is not present in population databases (gnomAD no frequency). This variant has not been reported in the literature in individuals affected with ATP1A2-related conditions. In summary, the available evidence is currently insufficient to determine the role of this variant in disease. Therefore, it has been classified as a Variant of Uncertain Significance. This sequence change replaces glutamic acid, which is acidic and polar, with lysine, which is basic and polar, at codon 182 of the ATP1A2 protein (p.Glu182Lys).

NM_000702.4(ATP1A2):c.544G>A (p.Glu182Lys)

Genes: ATP1A2 (ATPase Na+/K+ transporting subunit alpha 2; plus strand), LOC126805890 (CDK7 strongly-dependent group 2 enhancer GRCh37_chr1:160093987-160095186; plus strand). Cytogenetic location: 1q23.2.
Variant type: single nucleotide variant.
Coding change: c.544G>A on transcript NM_000702.4 (MANE Select); coding-DNA position 544, G replaced by A.
Protein change: p.Glu182Lys; replaces glutamic acid 182 with lysine.
Molecular consequence: missense variant.
Genome position (GRCh38, 1-based): chr1:160,124,344, G>A. VCF-style: chr1-160124344-G-A. GRCh37 (hg19) VCF-style: chr1-160094134-G-A.
Other names: short protein forms E182K.
Identifiers: ClinVar variation 3012944 (VCV003012944.3), dbSNP rs2524857199, ClinGen allele CA343233585.